The following is an entry in ClinVar:

ClinVar aggregate classification (germline): Likely pathogenic (1 of 4 stars; one submission).

gnomAD v4.1: 1 of 1,608,164 alleles (0.000062%); highest among the groups gnomAD compares: Non-Finnish European, 0.000085%; no homozygotes.

Submission:

Labcorp Genetics (formerly Invitae), Labcorp
Classification: Likely pathogenic. Last evaluated: 2022-12-23. Review status: criteria provided, single submitter. Criteria: Invitae Variant Classification Sherloc (09022015). Collection method: clinical testing. Allele origin: germline.
Comment: In summary, the currently available evidence indicates that the variant is pathogenic, but additional data are needed to prove that conclusively. Therefore, this variant has been classified as Likely Pathogenic. Algorithms developed to predict the effect of sequence changes on RNA splicing suggest that this variant may disrupt the consensus splice site. This variant has not been reported in the literature in individuals affected with NANS-related conditions. This variant is not present in population databases (gnomAD no frequency). This sequence change affects an acceptor splice site in intron 2 of the NANS gene. It is expected to disrupt RNA splicing. Variants that disrupt the donor or acceptor splice site typically lead to a loss of protein function (PMID: 16199547), and loss-of-function variants in NANS are known to be pathogenic (PMID: 27213289).

Literature cited by the submitters: PubMed 16199547; PubMed 27213289.

NM_018946.4(NANS):c.349-2A>G

Genes: NANS (N-acetylneuraminate synthase; plus strand), TRIM14 (tripartite motif containing 14; minus strand). Cytogenetic location: 9q22.33.
Variant type: single nucleotide variant.
Coding change: c.349-2A>G on transcript NM_018946.4 (MANE Select); the canonical splice acceptor site of the intron before coding-DNA position 349, A replaced by G.
Molecular consequence: splice acceptor variant.
Genome position (GRCh38, 1-based): chr9:98,076,916, A>G. VCF-style: chr9-98076916-A-G. GRCh37 (hg19) VCF-style: chr9-100839198-A-G.
Identifiers: ClinVar variation 2823588 (VCV002823588.3), dbSNP rs2490390946, ClinGen allele CA374197206.